The following is an entry in ClinVar:

ClinVar aggregate classification (germline): Uncertain significance. Review status: criteria provided, multiple submitters, no conflicts (2 of 4 stars). 2 submissions from 2 submitters: Uncertain significance (2). Last evaluated 2024-11-19.

Allele frequency attached by ClinVar (database versions not stated): TOPMed 0.00002.
gnomAD v4.1: 86 of 1,614,044 alleles (0.0053%); highest among the groups gnomAD compares: Middle Eastern, 0.016%; no homozygotes.

Submissions (2):

Blueprint Genetics
Classification: Uncertain significance. Last evaluated: 2024-11-19. Review status: criteria provided, single submitter. Criteria: ACMG Guidelines, 2015. Collection method: clinical testing. Allele origin: germline.

Labcorp Genetics (formerly Invitae), Labcorp
Classification: Uncertain significance. Last evaluated: 2024-10-29. Review status: criteria provided, single submitter. Criteria: Invitae Variant Classification Sherloc (09022015). Collection method: clinical testing. Allele origin: germline.
Comment: This sequence change replaces leucine, which is neutral and non-polar, with phenylalanine, which is neutral and non-polar, at codon 843 of the CNGB1 protein (p.Leu843Phe). This variant is present in population databases (rs769683445, gnomAD 0.009%). This variant has not been reported in the literature in individuals affected with CNGB1-related conditions. ClinVar contains an entry for this variant (Variation ID: 936023). Invitae Evidence Modeling of protein sequence and biophysical properties (such as structural, functional, and spatial information, amino acid conservation, physicochemical variation, residue mobility, and thermodynamic stability) indicates that this missense variant is expected to disrupt CNGB1 protein function with a positive predictive value of 80%. In summary, the available evidence is currently insufficient to determine the role of this variant in disease. Therefore, it has been classified as a Variant of Uncertain Significance.

NM_001297.5(CNGB1):c.2527C>T (p.Leu843Phe)

Gene: CNGB1 (cyclic nucleotide gated channel subunit beta 1; minus strand). Cytogenetic location: 16q21.
Variant type: single nucleotide variant.
Coding change: c.2527C>T on transcript NM_001297.5 (MANE Select); coding-DNA position 2527, C replaced by T.
Protein change: p.Leu843Phe; replaces leucine 843 with phenylalanine.
Molecular consequence: missense variant.
Genome position (GRCh38, 1-based): chr16:57,904,841, G>A on the plus strand (C>T on the coding strand, the complement: CNGB1 is on the minus strand). VCF-style: chr16-57904841-G-A. GRCh37 (hg19) VCF-style: chr16-57938745-G-A.
Other names: c.2509C>T, p.Leu837Phe (NM_001286130.2); short protein forms L837F, L843F.
Identifiers: ClinVar variation 936023 (VCV000936023.9), dbSNP rs769683445, ClinGen allele CA8082941.
Genomic context (GRCh38, chr16:57,904,841, plus strand): 5'-GCAGCTGGAAGACAATTTCAAAGAGTGTCTTGGGGTCAGGCAGCCCCCCGATGGTGATGA[G>A]GGTCTTCACAGCAAAGTAGTAACAGCGAATATAACTGGAGAGAGAGGAGAAAGGGAACAT-3'
Protein context (NP_001288.3, residues 833-853): IRCYYFAVKT[Leu843Phe]ITIGGLPDPK